The following is an entry in ClinVar:

NM_001031710.3(KLHL7):c.793+5G>A

Gene: KLHL7 (kelch like family member 7; plus strand). Cytogenetic location: 7p15.3.
Variant type: single nucleotide variant.
Coding change: c.793+5G>A on transcript NM_001031710.3 (MANE Select); 5 bases into the intron after coding-DNA position 793, G replaced by A.
Molecular consequence: intron variant.
Genome position (GRCh38, 1-based): chr7:23,144,030, G>A. VCF-style: chr7-23144030-G-A. GRCh37 (hg19) VCF-style: chr7-23183649-G-A.
Other names: c.649+5G>A (NM_018846.5).
Identifiers: ClinVar variation 2748394 (VCV002748394.3), dbSNP rs375718274, ClinGen allele CA2697557136.

ClinVar aggregate classification (germline): Uncertain significance (1 of 4 stars; one submission).

Submission:

Labcorp Genetics (formerly Invitae), Labcorp
Classification: Uncertain significance. Last evaluated: 2025-04-28. Review status: criteria provided, single submitter. Criteria: Invitae Variant Classification Sherloc (09022015). Collection method: clinical testing. Allele origin: germline.
Comment: This sequence change falls in intron 6 of the KLHL7 gene. It does not directly change the encoded amino acid sequence of the KLHL7 protein. It affects a nucleotide within the consensus splice site. This variant is not present in population databases (gnomAD no frequency). This variant has not been reported in the literature in individuals affected with KLHL7-related conditions. ClinVar contains an entry for this variant (Variation ID: 2748394). Variants that disrupt the consensus splice site are a relatively common cause of aberrant splicing (PMID: 17576681, 9536098). Algorithms developed to predict the effect of sequence changes on RNA splicing suggest that this variant may disrupt the consensus splice site. This variant disrupts the c.793+5G nucleotide in the KLHL7 gene. Other variant(s) that disrupt this nucleotide have been determined to be pathogenic (PMID: 35670385; internal data). This suggests that this nucleotide is clinically significant, and that variants that disrupt this position are likely to be disease-causing. In summary, the available evidence is currently insufficient to determine the role of this variant in disease. Therefore, it has been classified as a Variant of Uncertain Significance.

Literature cited by the submitters: PubMed 17576681; PubMed 9536098; PubMed 35670385.